The following is an entry in ClinVar:

ClinVar aggregate classification (germline): Uncertain significance (1 of 4 stars; one submission).

Conditions:
Familial thoracic aortic aneurysm and aortic dissection (TAAD). Also called: Thoracic aortic aneurysms and dissections. Identifiers: Orphanet 91387, MedGen C4707243, MONDO:0019625.

Submission:

All of Us Research Program, National Institutes of Health
Classification: Uncertain significance for Familial thoracic aortic aneurysm and aortic dissection. Last evaluated: 2023-06-26. Review status: criteria provided, single submitter. Criteria: ACMG Guidelines, 2015. Collection method: clinical testing. Allele origin: germline. Inheritance: Autosomal dominant inheritance. Observed: 1 variant allele, 1 heterozygote.
Comment: This missense variant replaces alanine with glycine at codon 1391 of the MYH11 protein. Computational prediction suggests that this variant may not impact protein structure and function (internally defined REVEL score threshold <= 0.5, PMID: 27666373). To our knowledge, functional studies have not been reported for this variant. This variant has not been reported in individuals affected with MYH11-related disorders in the literature. This variant has not been identified in the general population by the Genome Aggregation Database (gnomAD). The available evidence is insufficient to determine the role of this variant in disease conclusively. Therefore, this variant is classified as a Variant of Uncertain Significance.

This study involves interpretation of variants in research participants for the purpose of population health screening. Participant phenotype was not available at the time of variant classification. Additional details can be found in publication PMID: 35346344, PMCID: PMC8962531

NM_002474.3(MYH11):c.4151C>G (p.Ala1384Gly)

Genes: NDE1 (nudE neurodevelopment protein 1; plus strand), MYH11 (myosin heavy chain 11; minus strand). Cytogenetic location: 16p13.11.
Variant type: single nucleotide variant.
Coding change: c.4151C>G on transcript NM_002474.3 (MANE Select); coding-DNA position 4151, C replaced by G.
Protein change: p.Ala1384Gly; replaces alanine 1384 with glycine.
Molecular consequence: missense variant. On other transcripts: 3 prime UTR variant (2).
Genome position (GRCh38, 1-based): chr16:15,724,375, G>C on the plus strand (C>G on the coding strand, the complement: MYH11 is on the minus strand). VCF-style: chr16-15724375-G-C. GRCh37 (hg19) VCF-style: chr16-15818232-G-C.
Other names: c.4172C>G, p.Ala1391Gly (NM_001040113.2, NM_001040114.2); c.4151C>G, p.Ala1384Gly (NM_022844.3); c.*124G>C (NM_001143979.2, NM_017668.3); short protein forms A1384G, A1391G.
Identifiers: ClinVar variation 3072262 (VCV003072262.1), dbSNP rs2040640249, ClinGen allele CA394857479.